The following is an entry in ClinVar:

ClinVar aggregate classification (germline): Uncertain significance (1 of 4 stars; one submission).

Allele frequency attached by ClinVar (database versions not stated): gnomAD 0.00001; gnomAD exomes 0.00001; TOPMed 0.00001.
gnomAD v4.1: 22 of 1,613,328 alleles (0.0014%); highest among the groups gnomAD compares: Non-Finnish European, 0.0017%; no homozygotes.

Submission:

Labcorp Genetics (formerly Invitae), Labcorp
Classification: Uncertain significance. Last evaluated: 2021-11-27. Review status: criteria provided, single submitter. Criteria: Invitae Variant Classification Sherloc (09022015). Collection method: clinical testing. Allele origin: germline.
Comment: This sequence change replaces threonine, which is neutral and polar, with isoleucine, which is neutral and non-polar, at codon 705 of the RTTN protein (p.Thr705Ile). This variant is present in population databases (rs34955511, gnomAD 0.002%). This variant has not been reported in the literature in individuals affected with RTTN-related conditions. Algorithms developed to predict the effect of missense changes on protein structure and function are either unavailable or do not agree on the potential impact of this missense change (SIFT: "Deleterious"; PolyPhen-2: "Benign"; Align-GVGD: "Class C0"). In summary, the available evidence is currently insufficient to determine the role of this variant in disease. Therefore, it has been classified as a Variant of Uncertain Significance.

NM_173630.4(RTTN):c.2114C>T (p.Thr705Ile)

Gene: RTTN (rotatin; minus strand). Cytogenetic location: 18q22.2.
Variant type: single nucleotide variant.
Coding change: c.2114C>T on transcript NM_173630.4 (MANE Select); coding-DNA position 2114, C replaced by T.
Protein change: p.Thr705Ile; replaces threonine 705 with isoleucine.
Molecular consequence: missense variant. On other transcripts: 5 prime UTR variant (1).
Genome position (GRCh38, 1-based): chr18:70,150,029, G>A on the plus strand (C>T on the coding strand, the complement: RTTN is on the minus strand). VCF-style: chr18-70150029-G-A. GRCh37 (hg19) VCF-style: chr18-67817265-G-A.
Other names: c.-534C>T (NM_001318520.2); short protein forms T705I.
Identifiers: ClinVar variation 1517992 (VCV001517992.6), dbSNP rs34955511, ClinGen allele CA301926282.
Genomic context (GRCh38, chr18:70,150,029, plus strand): 5'-ACCTGTAGTATTGGGATGACAGGACAGAGAGATTCAATAAACTTGTTCCAGGTCAATGCT[G>A]TCATCATCAATCGTCCCTGAAGCAGGTATAACAGAATGGCCTTGGCAGCAGTGTTCACCT-3'
Protein context (NP_775901.3, residues 695-715): LYLLQGRLMM[Thr705Ile]ALTWNKFIES